The following is an entry in ClinVar:

ClinVar aggregate classification (germline): Uncertain significance (0 of 4 stars; one submission).

Submission:

Richard Lifton Laboratory, Yale University School of Medicine
Classification: Uncertain significance. Review status: no assertion criteria provided. Collection method: not provided. Allele origin: somatic.
Comment: MYST4
ClinVar note: Converted during submission from unknown to Uncertain significance.

NM_012330.4(KAT6B):c.2486T>A (p.Leu829His)

Gene: KAT6B (lysine acetyltransferase 6B; plus strand). Cytogenetic location: 10q22.2.
Variant type: single nucleotide variant.
Coding change: c.2486T>A on transcript NM_012330.4 (MANE Select); coding-DNA position 2486, T replaced by A.
Protein change: p.Leu829His; replaces leucine 829 with histidine.
Molecular consequence: missense variant. On other transcripts: intron variant (4).
Genome position (GRCh38, 1-based): chr10:74,985,192, T>A. VCF-style: chr10-74985192-T-A. GRCh37 (hg19) VCF-style: chr10-76744950-T-A.
Other names: c.1937T>A, p.Leu646His (NM_001256468.2, NM_001370138.1); c.1610T>A, p.Leu537His (NM_001256469.2, NM_001370139.1, NM_001370140.1 and 2 more transcripts); c.2486T>A, p.Leu829His (NM_001370136.1, NM_001370137.1); c.1421T>A, p.Leu474His (NM_001370143.1, NM_001370144.1); c.847-3827T>A (NM_001370133.1); c.450+3264T>A (NM_001370134.1); c.1497+3264T>A (NM_001370132.1); c.193-3827T>A (NM_001370135.1); short protein forms L829H, L474H, L646H, L537H.
Identifiers: ClinVar variation 91976 (VCV000091976.2), dbSNP rs386352336, ClinGen allele CA232279.